The following is an entry in ClinVar:

ClinVar aggregate classification (germline): Uncertain significance (1 of 4 stars; one submission).

Conditions:
Inborn genetic diseases. Identifiers: MedGen C0950123, MeSH D030342.

Submission:

Ambry Genetics
Classification: Uncertain significance for Inborn genetic diseases. Last evaluated: 2023-11-28. Review status: criteria provided, single submitter. Criteria: Ambry Variant Classification Scheme 2023. Collection method: clinical testing. Allele origin: germline.
Comment: The p.S2573F variant (also known as c.7718C>T), located in coding exon 46 of the ATR gene, results from a C to T substitution at nucleotide position 7718. The serine at codon 2573 is replaced by phenylalanine, an amino acid with highly dissimilar properties. This amino acid position is conserved. In addition, this alteration is predicted to be tolerated by in silico analysis. Since supporting evidence is limited at this time, the clinical significance of this alteration remains unclear.

NM_001184.4(ATR):c.7718C>T (p.Ser2573Phe)

Gene: ATR (ATR checkpoint kinase; minus strand). Cytogenetic location: 3q23.
Variant type: single nucleotide variant.
Coding change: c.7718C>T on transcript NM_001184.4 (MANE Select); coding-DNA position 7718, C replaced by T.
Protein change: p.Ser2573Phe; replaces serine 2573 with phenylalanine.
Molecular consequence: missense variant.
Genome position (GRCh38, 1-based): chr3:142,453,171, G>A on the plus strand (C>T on the coding strand, the complement: ATR is on the minus strand). VCF-style: chr3-142453171-G-A. GRCh37 (hg19) VCF-style: chr3-142172013-G-A.
Other names: c.7526C>T, p.Ser2509Phe (NM_001354579.2); short protein forms S2509F, S2573F.
Identifiers: ClinVar variation 3221295 (VCV003221295.1), dbSNP rs2473023336, ClinGen allele CA354794102.